The following is an entry in ClinVar:

NM_032861.4(SERAC1):c.819G>A (p.Met273Ile)

Gene: SERAC1 (serine active site containing 1; minus strand). Cytogenetic location: 6q25.3.
Variant type: single nucleotide variant.
Coding change: c.819G>A on transcript NM_032861.4 (MANE Select); coding-DNA position 819, G replaced by A.
Protein change: p.Met273Ile; replaces methionine 273 with isoleucine.
Molecular consequence: missense variant.
Genome position (GRCh38, 1-based): chr6:158,130,406, C>T on the plus strand (G>A on the coding strand, the complement: SERAC1 is on the minus strand). VCF-style: chr6-158130406-C-T. GRCh37 (hg19) VCF-style: chr6-158551438-C-T.
Other names: short protein forms M273I.
Identifiers: ClinVar variation 1991365 (VCV001991365.4), dbSNP rs745512283, ClinGen allele CA4071260.
Genomic context (GRCh38, chr6:158,130,406, plus strand): 5'-AAACTACATTTTGAAAATGTAAATTACCTCAGAATGTTTTACTATAGCTTCTAAACAGAA[C>T]ATTTCCACTGTTGCTGAAGGAACTTCTCCAAAACTTTCAGCATAAGGAAGTCCATTTCCT-3'
Protein context (NP_116250.3, residues 263-283): FGEVPSATVE[Met273Ile]FCLEAIVKHS

ClinVar aggregate classification (germline): Uncertain significance (1 of 4 stars; one submission).

Conditions:
3-methylglutaconic aciduria with deafness, encephalopathy, and Leigh-like syndrome (MEGDEL). Also called: MEGDEL syndrome; 3-METHYLGLUTACONIC ACIDURIA, TYPE VI; SERAC1 Deficiency. Identifiers: Orphanet 352328, MedGen C4040739, MONDO:0013875, OMIM 614739.

Allele frequency attached by ClinVar (database versions not stated): gnomAD exomes below 0.00001; TOPMed below 0.00001; ExAC 0.00001.
gnomAD v4.1: 1 of 1,596,542 alleles (0.000063%); highest among the groups gnomAD compares: East Asian, 0.0023%; no homozygotes.

Submission:

Labcorp Genetics (formerly Invitae), Labcorp
Classification: Uncertain significance for 3-methylglutaconic aciduria with deafness, encephalopathy, and Leigh-like syndrome. Last evaluated: 2022-03-26. Review status: criteria provided, single submitter. Criteria: Invitae Variant Classification Sherloc (09022015). Collection method: clinical testing. Allele origin: germline.
Comment: In summary, the available evidence is currently insufficient to determine the role of this variant in disease. Therefore, it has been classified as a Variant of Uncertain Significance. Algorithms developed to predict the effect of missense changes on protein structure and function output the following: SIFT: "Tolerated"; PolyPhen-2: "Benign"; Align-GVGD: "Class C0". The isoleucine amino acid residue is found in multiple mammalian species, which suggests that this missense change does not adversely affect protein function. This variant has not been reported in the literature in individuals affected with SERAC1-related conditions. The frequency data for this variant in the population databases is considered unreliable, as metrics indicate poor data quality at this position in the gnomAD database. This sequence change replaces methionine, which is neutral and non-polar, with isoleucine, which is neutral and non-polar, at codon 273 of the SERAC1 protein (p.Met273Ile).